The following is an entry in ClinVar:

ClinVar aggregate classification (germline): Uncertain significance (1 of 4 stars; one submission).

Conditions:
Hypogonadotropic hypogonadism 2 with or without anosmia (HH2). Also called: HYPOGONADOTROPIC HYPOGONADISM 2 WITHOUT ANOSMIA; FGFR1-Related GnRH Deficiency (Kallmann Syndrome 2); HYPOGONADOTROPIC HYPOGONADISM 2 WITH OR WITHOUT ANOSMIA, SUSCEPTIBILITY TO; HYPOGONADOTROPIC HYPOGONADISM 2 WITHOUT ANOSMIA, SUSCEPTIBILITY TO. Identifiers: Orphanet 478, MedGen C1563720, MONDO:0007844, OMIM 147950. Disease mechanism: loss of function.

Submission:

Victorian Clinical Genetics Services, Murdoch Childrens Research Institute
Classification: Uncertain significance for Hypogonadotropic hypogonadism 2 with or without anosmia. Last evaluated: 2023-07-17. Review status: criteria provided, single submitter. Criteria: ACMG Guidelines, 2015. Collection method: clinical testing. Allele origin: germline. Inheritance: Autosomal dominant inheritance. Affected: yes.
Comment: Based on the classification scheme VCGS_Germline_v1.3.4, this variant is classified as VUS-3B. Following criteria are met: 0103 - Loss of function and gain of function are known mechanisms of disease in this gene and are associated with FGFR1-related disease. Loss of function missense variants and variants predicted to undergo nonsense-mediated decay have been reported to cause Hartsfield syndrome (MIM#615465) and hypogonadotropic hypogonadism-2 (HH2; MIM#147950). Gain of function missense variants have been reported to cause encephalocraniocutaneous lipomatosis, somatic mosaic (MIM#613001) and osteoglophonic dysplasia (MIM#166250). Additional missense variants have been reported in patients with Jackson-Weiss syndrome (MIM#123150), Pfeiffer syndrome (MIM#101600) or trigonocephaly 1 (MIM#190440) however, the mechanism of these variants is unknown (OMIM, PMID: 18034870, 23812909, 26942290). (I) 0107 - This gene is associated with autosomal dominant disease. Biallelic missense variants have been rarely reported in patients with Hartsfield syndrome (PMID: 23812909). (I) 0115 - Variants in this gene are known to have variable expressivity in patients with HH2 (PMID: 18034870). (I) 0200 - Variant is predicted to result in a missense amino acid change from proline to arginine. (I) 0251 - This variant is heterozygous. (I) 0301 - Variant is absent from gnomAD (both v2 and v3). (SP) 0309 - An alternative amino acid change at the same position has been observed in gnomAD (v3) (1 heterozygote, 0 homozygotes). (I) 0501 - Missense variant consistently predicted to be damaging by multiple in silico tools or highly conserved with a major amino acid change. (SP) 0604 - Variant is not located in an established domain, motif, hotspot or informative constraint region. (I) 0705 - No comparable missense variants have previous evidence for pathogenicity. (I) 0807 - This variant has no previous evidence of pathogenicity. (I) 0905 - No published segregation evidence has been identified for this variant. (I) 1007 - No published functional evidence has been identified for this variant. (I) 1208 - Inheritance information for this variant is not currently available in this individual. (I) Legend: (SP) - Supporting pathogenic, (I) - Information, (SB) - Supporting benign

Literature cited by the submitters: PubMed 18034870; PubMed 23812909; PubMed 26942290.

NM_023110.3(FGFR1):c.2423C>G (p.Pro808Arg)

Gene: FGFR1 (fibroblast growth factor receptor 1; minus strand). Cytogenetic location: 8p11.23.
Variant type: single nucleotide variant.
Coding change: c.2423C>G on transcript NM_023110.3 (MANE Select); coding-DNA position 2423, C replaced by G.
Protein change: p.Pro808Arg; replaces proline 808 with arginine.
Molecular consequence: missense variant. On other transcripts: intron variant (3).
Genome position (GRCh38, 1-based): chr8:38,413,674, G>C on the plus strand (C>G on the coding strand, the complement: FGFR1 is on the minus strand). VCF-style: chr8-38413674-G-C. GRCh37 (hg19) VCF-style: chr8-38271192-G-C.
Other names: c.2417C>G, p.Pro806Arg (NM_001174063.2, NM_001174065.2, NM_015850.4); c.2393C>G, p.Pro798Arg (NM_001174064.2); c.2156C>G, p.Pro719Arg (NM_001174066.2, NM_023105.3); c.2516C>G, p.Pro839Arg (NM_001174067.2); c.2144C>G, p.Pro715Arg (NM_001354368.2); c.2411C>G, p.Pro804Arg (NM_001410922.1); c.2150C>G, p.Pro717Arg (NM_023106.3); c.2019+244C>G (NM_001354370.2); and 2 more; short protein forms P715R, P717R, P719R, P798R, P804R, P806R, P808R, P839R.
Identifiers: ClinVar variation 3255136 (VCV003255136.1), dbSNP rs1815158655.